The following is an entry in ClinVar:

NM_020686.6(ABAT):c.874G>A (p.Val292Met)

Gene: ABAT (4-aminobutyrate aminotransferase; plus strand). Cytogenetic location: 16p13.2.
Variant type: single nucleotide variant.
Coding change: c.874G>A on transcript NM_020686.6 (MANE Select); coding-DNA position 874, G replaced by A.
Protein change: p.Val292Met; replaces valine 292 with methionine.
Molecular consequence: missense variant.
Genome position (GRCh38, 1-based): chr16:8,772,837, G>A. VCF-style: chr16-8772837-G-A. GRCh37 (hg19) VCF-style: chr16-8866694-G-A.
Other names: c.874G>A, p.Val292Met (NM_000663.5, NM_001127448.2, NM_001386600.1 and 6 more transcripts); c.835G>A, p.Val279Met (NM_001386605.1); c.811G>A, p.Val271Met (NM_001386606.1, NM_001386607.1); c.781G>A, p.Val261Met (NM_001386608.1); c.739G>A, p.Val247Met (NM_001386610.1, NM_001386611.1); c.676G>A, p.Val226Met (NM_001386612.1, NM_001386613.1); c.628G>A, p.Val210Met (NM_001386614.1); c.970G>A, p.Val324Met (NM_001386615.1); short protein forms V292M, V210M, V226M, V247M, V261M, V271M, V279M, V324M.
Identifiers: ClinVar variation 659526 (VCV000659526.9), dbSNP rs747354047, ClinGen allele CA7893341.
Genomic context (GRCh38, chr16:8,772,837, plus strand): 5'-CAGGTGGAGGATCTGATTGTGAAATATCGGAAAAAGAAGAAGACGGTGGCCGGGATCATC[G>A]TGGAGCCCATCCAGTCCGAGGGTGGAGACAACCACGCATCCGATGACTTCTTTCGGAAGC-3'
Protein context (NP_065737.2, residues 282-302): KKKKTVAGII[Val292Met]EPIQSEGGDN

ClinVar aggregate classification (germline): Uncertain significance (1 of 4 stars; one submission).

Conditions:
Gamma-aminobutyric acid transaminase deficiency (GABATD). Also called: GABA transaminase deficiency; Gamma aminobutyrate transaminase deficiency; 4 alpha aminobutyrate transaminase deficiency; GABA aminotransaminase deficiency. Identifiers: Orphanet 2066, MedGen C0342708, MONDO:0013166, OMIM 613163.

Allele frequency attached by ClinVar (database versions not stated): gnomAD exomes below 0.00001; TOPMed below 0.00001; ExAC 0.00001; gnomAD 0.00001.
gnomAD v4.1: 11 of 1,613,960 alleles (0.00068%); highest among the groups gnomAD compares: Non-Finnish European, 0.00059%; no homozygotes.

Submission:

Labcorp Genetics (formerly Invitae), Labcorp
Classification: Uncertain significance for Gamma-aminobutyric acid transaminase deficiency. Last evaluated: 2022-09-07. Review status: criteria provided, single submitter. Criteria: Invitae Variant Classification Sherloc (09022015). Collection method: clinical testing. Allele origin: germline.
Comment: This variant has not been reported in the literature in individuals affected with ABAT-related conditions. In summary, the available evidence is currently insufficient to determine the role of this variant in disease. Therefore, it has been classified as a Variant of Uncertain Significance. Algorithms developed to predict the effect of missense changes on protein structure and function are either unavailable or do not agree on the potential impact of this missense change (SIFT: "Deleterious"; PolyPhen-2: "Probably Damaging"; Align-GVGD: "Class C0"). ClinVar contains an entry for this variant (Variation ID: 659526). This variant is present in population databases (rs747354047, gnomAD 0.002%). This sequence change replaces valine, which is neutral and non-polar, with methionine, which is neutral and non-polar, at codon 292 of the ABAT protein (p.Val292Met).